The following is an entry in ClinVar:

ClinVar aggregate classification (germline): Uncertain significance (1 of 4 stars; one submission).

Allele frequency attached by ClinVar (database versions not stated): gnomAD exomes below 0.00001.
gnomAD v4.1: 1 of 1,613,052 alleles (0.000062%); highest among the groups gnomAD compares: Non-Finnish European, 0.000085%; no homozygotes.

Submission:

CeGaT Center for Human Genetics Tuebingen
Classification: Uncertain significance. Last evaluated: 2023-08-01. Review status: criteria provided, single submitter. Criteria: CeGaT Center For Human Genetics Tuebingen Variant Classification Criteria Version 2. Collection method: clinical testing. Allele origin: germline. Affected: yes. Observed: 1 variant allele.
Comment: ANKS6: PM2

NM_173551.5(ANKS6):c.905T>C (p.Met302Thr)

Gene: ANKS6 (ankyrin repeat and sterile alpha motif domain containing 6; minus strand). Cytogenetic location: 9q22.33.
Variant type: single nucleotide variant.
Coding change: c.905T>C on transcript NM_173551.5 (MANE Select); coding-DNA position 905, T replaced by C.
Protein change: p.Met302Thr; replaces methionine 302 with threonine.
Molecular consequence: missense variant.
Genome position (GRCh38, 1-based): chr9:98,784,834, A>G on the plus strand (T>C on the coding strand, the complement: ANKS6 is on the minus strand). VCF-style: chr9-98784834-A-G. GRCh37 (hg19) VCF-style: chr9-101547116-A-G.
Other names: short protein forms M302T.
Identifiers: ClinVar variation 2579066 (VCV002579066.25), dbSNP rs2490413193, ClinGen allele CA374217616.